The following is an entry in ClinVar:

ClinVar aggregate classification (germline): Likely benign (0 of 4 stars; one submission).

Conditions:
PEPD-related disorder. Also called: PEPD-related condition.

Allele frequency attached by ClinVar (database versions not stated): gnomAD 0.00001; gnomAD exomes 0.00001; ExAC 0.00002; TOPMed 0.00003; 1000 Genomes Project 30x 0.00016; 1000 Genomes Project 0.00020.
gnomAD v4.1: 6 of 1,613,894 alleles (0.00037%); highest among the groups gnomAD compares: Admixed American, 0.01%; no homozygotes.

Submission:

PreventionGenetics, part of Exact Sciences
Classification: Likely benign for PEPD-related condition. Last evaluated: 2019-05-31. Review status: no assertion criteria provided. Collection method: clinical testing. Allele origin: germline.
Comment: This variant is classified as likely benign based on ACMG/AMP sequence variant interpretation guidelines (Richards et al. 2015 PMID: 25741868, with internal and published modifications).

NM_000285.4(PEPD):c.*2G>T

Gene: PEPD (peptidase D; minus strand). Cytogenetic location: 19q13.11.
Variant type: single nucleotide variant.
Coding change: c.*2G>T on transcript NM_000285.4 (MANE Select); 2 bases downstream of the stop codon, G replaced by T.
Molecular consequence: 3 prime UTR variant.
Genome position (GRCh38, 1-based): chr19:33,387,342, C>A on the plus strand (G>T on the coding strand, the complement: PEPD is on the minus strand). VCF-style: chr19-33387342-C-A. GRCh37 (hg19) VCF-style: chr19-33878248-C-A.
Other names: c.*2G>T (NM_001166056.2, NM_001166057.2).
Identifiers: ClinVar variation 3044382 (VCV003044382.2), dbSNP rs567334835, ClinGen allele CA9363846.